The following is an entry in ClinVar:

NM_004698.4(PRPF3):c.714G>A (p.Met238Ile)

Gene: PRPF3 (pre-mRNA processing factor 3; plus strand). Cytogenetic location: 1q21.2.
Variant type: single nucleotide variant.
Coding change: c.714G>A on transcript NM_004698.4 (MANE Select); coding-DNA position 714, G replaced by A.
Protein change: p.Met238Ile; replaces methionine 238 with isoleucine.
Molecular consequence: missense variant. On other transcripts: non-coding transcript variant (4).
Genome position (GRCh38, 1-based): chr1:150,333,185, G>A. VCF-style: chr1-150333185-G-A. GRCh37 (hg19) VCF-style: chr1-150305656-G-A.
Other names: c.309G>A, p.Met103Ile (NM_001350529.1); short protein forms M103I, M238I.
Identifiers: ClinVar variation 1966523 (VCV001966523.5), dbSNP rs2525120170, ClinGen allele CA342293216.

ClinVar aggregate classification (germline): Uncertain significance (1 of 4 stars; one submission).

Submission:

Labcorp Genetics (formerly Invitae), Labcorp
Classification: Uncertain significance. Last evaluated: 2022-09-19. Review status: criteria provided, single submitter. Criteria: Invitae Variant Classification Sherloc (09022015). Collection method: clinical testing. Allele origin: germline.
Comment: This sequence change replaces methionine, which is neutral and non-polar, with isoleucine, which is neutral and non-polar, at codon 238 of the PRPF3 protein (p.Met238Ile). This variant is not present in population databases (gnomAD no frequency). This variant has not been reported in the literature in individuals affected with PRPF3-related conditions. Advanced modeling of protein sequence and biophysical properties (such as structural, functional, and spatial information, amino acid conservation, physicochemical variation, residue mobility, and thermodynamic stability) performed at Invitae indicates that this missense variant is not expected to disrupt PRPF3 protein function. In summary, the available evidence is currently insufficient to determine the role of this variant in disease. Therefore, it has been classified as a Variant of Uncertain Significance.